The following is an entry in ClinVar:

NM_001204.7(BMPR2):c.1028A>G (p.Asn343Ser)

Gene: BMPR2 (bone morphogenetic protein receptor type 2; plus strand). Cytogenetic location: 2q33.2.
Variant type: single nucleotide variant.
Coding change: c.1028A>G on transcript NM_001204.7 (MANE Select); coding-DNA position 1028, A replaced by G.
Protein change: p.Asn343Ser; replaces asparagine 343 with serine.
Molecular consequence: missense variant.
Genome position (GRCh38, 1-based): chr2:202,530,854, A>G. VCF-style: chr2-202530854-A-G. GRCh37 (hg19) VCF-style: chr2-203395577-A-G.
Other names: short protein forms N343S.
Identifiers: ClinVar variation 3824937 (VCV003824937.1).

ClinVar aggregate classification (germline): Uncertain significance (1 of 4 stars; one submission).

Conditions:
Inborn genetic diseases. Identifiers: MedGen C0950123, MeSH D030342.

gnomAD v4.1: 3 of 1,613,916 alleles (0.00019%); highest among the groups gnomAD compares: South Asian, 0.0011%; no homozygotes.

Submission:

Ambry Genetics
Classification: Uncertain significance for Inborn genetic diseases. Last evaluated: 2025-03-02. Review status: criteria provided, single submitter. Criteria: Ambry Variant Classification Scheme 2023. Collection method: clinical testing. Allele origin: germline.
Comment: The p.N343S variant (also known as c.1028A>G), located in coding exon 8 of the BMPR2 gene, results from an A to G substitution at nucleotide position 1028. The asparagine at codon 343 is replaced by serine, an amino acid with highly similar properties. This amino acid position is conserved. In addition, this alteration is predicted to be tolerated by in silico analysis. Based on the available evidence, the clinical significance of this variant remains unclear.